The following is an entry in ClinVar:

NM_004523.4(KIF11):c.2434T>G (p.Ser812Ala)

Gene: KIF11 (kinesin family member 11; plus strand). Cytogenetic location: 10q23.33.
Variant type: single nucleotide variant.
Coding change: c.2434T>G on transcript NM_004523.4 (MANE Select); coding-DNA position 2434, T replaced by G.
Protein change: p.Ser812Ala; replaces serine 812 with alanine.
Molecular consequence: missense variant.
Genome position (GRCh38, 1-based): chr10:92,645,529, T>G. VCF-style: chr10-92645529-T-G. GRCh37 (hg19) VCF-style: chr10-94405286-T-G.
Other names: short protein forms S812A.
Identifiers: ClinVar variation 1053321 (VCV001053321.7), dbSNP rs2135923445, ClinGen allele CA377594225.

ClinVar aggregate classification (germline): Uncertain significance (1 of 4 stars; one submission).

Submission:

Labcorp Genetics (formerly Invitae), Labcorp
Classification: Uncertain significance. Last evaluated: 2021-11-06. Review status: criteria provided, single submitter. Criteria: Invitae Variant Classification Sherloc (09022015). Collection method: clinical testing. Allele origin: germline.
Comment: This sequence change replaces serine, which is neutral and polar, with alanine, which is neutral and non-polar, at codon 812 of the KIF11 protein (p.Ser812Ala). This variant is not present in population databases (gnomAD no frequency). This variant has not been reported in the literature in individuals affected with KIF11-related conditions. ClinVar contains an entry for this variant (Variation ID: 1053321). Algorithms developed to predict the effect of missense changes on protein structure and function are either unavailable or do not agree on the potential impact of this missense change (SIFT: "Deleterious"; PolyPhen-2: "Benign"; Align-GVGD: "Class C65"). In summary, the available evidence is currently insufficient to determine the role of this variant in disease. Therefore, it has been classified as a Variant of Uncertain Significance.